The following is an entry in ClinVar:

NM_000238.4(KCNH2):c.1146C>T (p.Ala382=)

Gene: KCNH2 (potassium voltage-gated channel subfamily H member 2; minus strand). Cytogenetic location: 7q36.1.
Variant type: single nucleotide variant.
Coding change: c.1146C>T on transcript NM_000238.4 (MANE Select); coding-DNA position 1146, C replaced by T.
Protein change: p.Ala382=; no amino-acid change (alanine 382 retained).
Molecular consequence: synonymous variant. On other transcripts: non-coding transcript variant (2).
Genome position (GRCh38, 1-based): chr7:150,952,836, G>A on the plus strand (C>T on the coding strand, the complement: KCNH2 is on the minus strand). VCF-style: chr7-150952836-G-A. GRCh37 (hg19) VCF-style: chr7-150649924-G-A.
Other names: c.126C>T, p.Ala42= (NM_001204798.2, NM_172057.3); c.858C>T, p.Ala286= (NM_001406753.1, NM_001406756.1); c.969C>T, p.Ala323= (NM_001406755.1); c.846C>T, p.Ala282= (NM_001406757.1); c.1146C>T, p.Ala382= (NM_172056.3).
Identifiers: ClinVar variation 527039 (VCV000527039.17), dbSNP rs202147325, ClinGen allele CA027236.

ClinVar aggregate classification (germline): Likely benign. Review status: criteria provided, multiple submitters, no conflicts (2 of 4 stars). 5 submissions from 5 submitters: Likely benign (5). Last evaluated 2025-07-02.

Conditions:
Cardiovascular phenotype. Identifiers: MedGen CN230736.
Long QT syndrome (LQTS). Identifiers: MedGen C0023976, MeSH D008133, MONDO:0002442. Disease mechanism: loss of function. Inheritance: Various modes of inheritance.
Cardiac arrhythmia. Also called: Cardiac rhythm disease; Arrhythmia. Identifiers: MedGen C0003811, MONDO:0007263, HP:0011675.

Allele frequency attached by ClinVar (database versions not stated): gnomAD exomes below 0.00001; ExAC 0.00001; gnomAD 0.00001; TOPMed 0.00001.
gnomAD v4.1: 26 of 1,613,568 alleles (0.0016%); highest among the groups gnomAD compares: East Asian, 0.0022%; no homozygotes.

Submissions (5):

Labcorp Genetics (formerly Invitae), Labcorp
Classification: Likely benign for Long QT syndrome. Last evaluated: 2025-07-02. Review status: criteria provided, single submitter. Criteria: Invitae Variant Classification Sherloc (09022015). Collection method: clinical testing. Allele origin: germline.

Molecular Diagnostic Laboratory for Inherited Cardiovascular Disease, Montreal Heart Institute
Classification: Likely benign. Last evaluated: 2025-04-09. Review status: criteria provided, single submitter. Criteria: ACMG Guidelines, 2015. Collection method: clinical testing. Allele origin: germline. Affected: no.

All of Us Research Program, National Institutes of Health
Classification: Likely benign for Long QT syndrome. Last evaluated: 2023-12-01. Review status: criteria provided, single submitter. Criteria: ACMG Guidelines, 2015. Collection method: clinical testing. Allele origin: germline. Inheritance: Autosomal dominant inheritance. Observed: 6 variant alleles, 6 heterozygotes.
Comment: This study involves interpretation of variants in research participants for the purpose of population health screening. Participant phenotype was not available at the time of variant classification. Additional details can be found in publication PMID: 35346344, PMCID: PMC8962531

Color Diagnostics, LLC DBA Color Health
Classification: Likely benign for Arrhythmia. Last evaluated: 2019-10-22. Review status: criteria provided, single submitter. Criteria: ACMG Guidelines, 2015. Collection method: clinical testing. Allele origin: germline.

Ambry Genetics
Classification: Likely benign for Cardiovascular phenotype. Last evaluated: 2019-06-04. Review status: criteria provided, single submitter. Criteria: Ambry Variant Classification Scheme 2023. Collection method: clinical testing. Allele origin: germline.